The following is an entry in ClinVar:

NM_002110.5(HCK):c.415C>G (p.Leu139Val)

Gene: HCK (HCK proto-oncogene, Src family tyrosine kinase; plus strand). Cytogenetic location: 20q11.21.
Variant type: single nucleotide variant.
Coding change: c.415C>G on transcript NM_002110.5 (MANE Select); coding-DNA position 415, C replaced by G.
Protein change: p.Leu139Val; replaces leucine 139 with valine.
Molecular consequence: missense variant.
Genome position (GRCh38, 1-based): chr20:32,074,708, C>G. VCF-style: chr20-32074708-C-G. GRCh37 (hg19) VCF-style: chr20-30662511-C-G.
Other names: c.352C>G, p.Leu118Val (NM_001172129.3, NM_001172133.3); c.412C>G, p.Leu138Val (NM_001172130.3); c.349C>G, p.Leu117Val (NM_001172131.3); c.355C>G, p.Leu119Val (NM_001172132.3); short protein forms L138V, L119V, L139V, L118V, L117V.
Identifiers: ClinVar variation 2306892 (VCV002306892.5), dbSNP rs529087706, ClinGen allele CA9805782.

ClinVar aggregate classification (germline): Uncertain significance. Review status: criteria provided, multiple submitters, no conflicts (2 of 4 stars). 3 submissions from 3 submitters: Uncertain significance (3). Last evaluated 2026-07-15.

Conditions:
HCK-related condition.

Allele frequency attached by ClinVar (database versions not stated): TOPMed 0.00006; gnomAD 0.00007; gnomAD exomes 0.00009; ExAC 0.00015.
gnomAD v4.1: 138 of 1,612,850 alleles (0.0086%); highest among the groups gnomAD compares: Middle Eastern, 0.016%; no homozygotes.

Submissions (3):

PreventionGenetics, part of Exact Sciences
Classification: Uncertain significance for HCK-related condition. Last evaluated: 2026-07-15. Review status: criteria provided, single submitter. Criteria: ACMG Guidelines, 2015. Collection method: clinical testing. Allele origin: germline.
Comment: The HCK c.415C>G variant is predicted to result in the amino acid substitution p.Leu139Val. To our knowledge, this variant has not been reported in the literature. This variant is reported in 0.048% of alleles in individuals of Ashkenazi Jewish descent in gnomAD, which may be too common to be causative. Although we suspect that this variant may be benign, at this time, the clinical significance of this variant is uncertain due to the absence of conclusive functional and genetic evidence.

Ambry Genetics
Classification: Uncertain significance. Last evaluated: 2025-04-16. Review status: criteria provided, single submitter. Criteria: Ambry Variant Classification Scheme 2023. Collection method: clinical testing. Allele origin: germline.

Women's Health and Genetics/Laboratory Corporation of America, LabCorp
Classification: Uncertain significance. Last evaluated: 2024-12-03. Review status: criteria provided, single submitter. Criteria: LabCorp Variant Classification Summary - May 2015. Collection method: clinical testing. Allele origin: germline.
Comment: Variant summary: HCK c.415C>G (p.Leu139Val) results in a conservative amino acid change in the encoded protein sequence. Four of five in-silico tools predict a benign effect of the variant on protein function. The variant allele was found at a frequency of 0.00013 in 251372 control chromosomes, predominantly at a frequency of 0.00024 within the Non-Finnish European subpopulation in the gnomAD database. This frequency is not significantly higher than estimated for a pathogenic variant in HCK causing Autoinflammation with pulmonary and cutaneous vasculitis, allowing no conclusion about variant significance. To our knowledge, no occurrence of c.415C>G in individuals affected with Autoinflammation with pulmonary and cutaneous vasculitis and no experimental evidence demonstrating its impact on protein function have been reported. ClinVar contains an entry for this variant (Variation ID: 2306892). Based on the evidence outlined above, the variant was classified as uncertain significance.